The following is an entry in ClinVar:

ClinVar aggregate classification (germline): Conflicting classifications of pathogenicity. Review status: criteria provided, conflicting classifications (1 of 4 stars). 2 submissions from 2 submitters: Uncertain significance (1); Likely benign (1). Last evaluated 2025-02-23.

Conditions:
Inborn genetic diseases. Identifiers: MedGen C0950123, MeSH D030342.
Cataract 17 multiple types. Also called: CATARACT 17, PULVERULENT; CATARACT 17, CONGENITAL NUCLEAR, AUTOSOMAL RECESSIVE. Identifiers: Orphanet 91492, MedGen C3888124, MONDO:0012688, OMIM 611544.

Allele frequency attached by ClinVar (database versions not stated): TOPMed 0.00007; gnomAD 0.00011; ExAC 0.00020.
gnomAD v4.1: 121 of 1,614,076 alleles (0.0075%); highest among the groups gnomAD compares: Non-Finnish European, 0.0091%; no homozygotes.

Submissions (2):

Labcorp Genetics (formerly Invitae), Labcorp
Classification: Uncertain significance for Cataract 17 multiple types. Last evaluated: 2025-02-23. Review status: criteria provided, single submitter. Criteria: Invitae Variant Classification Sherloc (09022015). Collection method: clinical testing. Allele origin: germline.
Comment: This sequence change replaces phenylalanine, which is neutral and non-polar, with leucine, which is neutral and non-polar, at codon 109 of the CRYBB1 protein (p.Phe109Leu). This variant is present in population databases (rs777977625, gnomAD 0.03%). This variant has not been reported in the literature in individuals affected with CRYBB1-related conditions. ClinVar contains an entry for this variant (Variation ID: 1385307). Invitae Evidence Modeling of protein sequence and biophysical properties (such as structural, functional, and spatial information, amino acid conservation, physicochemical variation, residue mobility, and thermodynamic stability) indicates that this missense variant is not expected to disrupt CRYBB1 protein function with a negative predictive value of 80%. In summary, the available evidence is currently insufficient to determine the role of this variant in disease. Therefore, it has been classified as a Variant of Uncertain Significance.

Ambry Genetics
Classification: Likely benign for Inborn genetic diseases. Last evaluated: 2022-02-10. Review status: criteria provided, single submitter. Criteria: Ambry Variant Classification Scheme 2023. Collection method: clinical testing. Allele origin: germline.

NM_001887.4(CRYBB1):c.325T>C (p.Phe109Leu)

Genes: CRYBA4 (crystallin beta A4; plus strand), CRYBB1 (crystallin beta B1; minus strand). Cytogenetic location: 22q12.1.
Variant type: single nucleotide variant.
Coding change: c.325T>C on transcript NM_001887.4 (MANE Select); coding-DNA position 325, T replaced by C.
Protein change: p.Phe109Leu; replaces phenylalanine 109 with leucine.
Molecular consequence: missense variant.
Genome position (GRCh38, 1-based): chr22:26,607,996, A>G on the plus strand (T>C on the coding strand, the complement: CRYBB1 is on the minus strand). VCF-style: chr22-26607996-A-G. GRCh37 (hg19) VCF-style: chr22-27003960-A-G.
Other names: c.325T>C (NM_001887.3); short protein forms F109L.
Identifiers: ClinVar variation 1385307 (VCV001385307.7), dbSNP rs777977625, ClinGen allele CA10165491.